The following is an entry in ClinVar:

NM_018474.6(KIZ):c.56G>C (p.Arg19Thr)

Genes: KIZ (kizuna centrosomal protein; plus strand), LOC130065507 (ATAC-STARR-seq lymphoblastoid silent region 12713; plus strand). Cytogenetic location: 20p11.23.
Variant type: single nucleotide variant.
Coding change: c.56G>C on transcript NM_018474.6 (MANE Select); coding-DNA position 56, G replaced by C.
Protein change: p.Arg19Thr; replaces arginine 19 with threonine.
Molecular consequence: missense variant. On other transcripts: 5 prime UTR variant (4).
Genome position (GRCh38, 1-based): chr20:21,126,171, G>C. VCF-style: chr20-21126171-G-C. GRCh37 (hg19) VCF-style: chr20-21106812-G-C.
Other names: c.-91G>C (NM_001163022.3, NM_001163023.3, NM_001352435.2); c.135G>C, p.Glu45Asp (NM_001276389.2); c.56G>C, p.Arg19Thr (NM_001352434.2); c.-331G>C (NM_001352436.2); short protein forms E45D, R19T.
Identifiers: ClinVar variation 2506714 (VCV002506714.1), dbSNP rs1243921995, ClinGen allele CA408488204.

ClinVar aggregate classification (germline): Uncertain significance (1 of 4 stars; one submission).

Allele frequency attached by ClinVar (database versions not stated): gnomAD 0.00001; gnomAD exomes 0.00001; TOPMed 0.00001.
gnomAD v4.1: 8 of 1,506,702 alleles (0.00053%); highest among the groups gnomAD compares: Non-Finnish European, 0.000089%; no homozygotes.

Submission:

GeneDx
Classification: Uncertain significance. Last evaluated: 2022-12-15. Review status: criteria provided, single submitter. Criteria: GeneDx Variant Classification Process June 2021. Collection method: clinical testing. Allele origin: germline. Affected: yes.
Comment: Not observed at significant frequency in large population cohorts (gnomAD); In silico analysis supports that this missense variant has a deleterious effect on protein structure/function; Has not been previously published as pathogenic or benign to our knowledge